The following is an entry in ClinVar:

ClinVar aggregate classification (germline): Uncertain significance. Review status: criteria provided, multiple submitters, no conflicts (2 of 4 stars). 2 submissions from 2 submitters: Uncertain significance (2). Last evaluated 2024-12-17.

Allele frequency attached by ClinVar (database versions not stated): gnomAD exomes 0.00004; ESP Exome Variant Server 0.00008; gnomAD 0.00009; TOPMed 0.00009; ExAC 0.00012.

Submissions (2):

Labcorp Genetics (formerly Invitae), Labcorp
Classification: Uncertain significance. Last evaluated: 2024-12-17. Review status: criteria provided, single submitter. Criteria: Invitae Variant Classification Sherloc (09022015). Collection method: clinical testing. Allele origin: germline.
Comment: This sequence change replaces valine, which is neutral and non-polar, with isoleucine, which is neutral and non-polar, at codon 188 of the FUK protein (p.Val188Ile). This variant is present in population databases (rs373589147, gnomAD 0.04%). This variant has not been reported in the literature in individuals affected with FUK-related conditions. ClinVar contains an entry for this variant (Variation ID: 3094298). An algorithm developed to predict the effect of missense changes on protein structure and function outputs the following: PolyPhen-2: "Benign". The isoleucine amino acid residue is found in multiple mammalian species, which suggests that this missense change does not adversely affect protein function. In summary, the available evidence is currently insufficient to determine the role of this variant in disease. Therefore, it has been classified as a Variant of Uncertain Significance.

Ambry Genetics
Classification: Uncertain significance. Last evaluated: 2022-10-04. Review status: criteria provided, single submitter. Criteria: Ambry Variant Classification Scheme 2023. Collection method: clinical testing. Allele origin: germline.

NM_145059.3(FCSK):c.562G>A (p.Val188Ile)

Gene: FCSK (fucose kinase; plus strand). Cytogenetic location: 16q22.1.
Variant type: single nucleotide variant.
Coding change: c.562G>A on transcript NM_145059.3 (MANE Select); coding-DNA position 562, G replaced by A.
Protein change: p.Val188Ile; replaces valine 188 with isoleucine.
Molecular consequence: missense variant.
Genome position (GRCh38, 1-based): chr16:70,467,451, G>A. VCF-style: chr16-70467451-G-A. GRCh37 (hg19) VCF-style: chr16-70501354-G-A.
Other names: short protein forms V188I.
Identifiers: ClinVar variation 3094298 (VCV003094298.3), dbSNP rs373589147, ClinGen allele CA8142983.
Genomic context (GRCh38, chr16:70,467,451, plus strand): 5'-TTCCGGGGAGCCAGAGTGATCGCCCTCCCAGGGAGCCCGGCCTACGCTCAGAATCATGGC[G>A]TCTACCTAACTGACCCCCAGGTAGTGCCCCTGGGGACAGTGGAGCCGGCTGGGGCAGCCT-3'
Protein context (NP_659496.2, residues 178-198): GSPAYAQNHG[Val188Ile]YLTDPQGLVL